The following is an entry in ClinVar:

ClinVar aggregate classification (germline): Uncertain significance (1 of 4 stars; one submission).

Conditions:
Nemaline myopathy 6 (NEM6). Also called: Nemaline myopathy 6, autosomal dominant. Identifiers: Orphanet 171439, MedGen C1836472, MONDO:0012237, OMIM 609273.

Submission:

Labcorp Genetics (formerly Invitae), Labcorp
Classification: Uncertain significance for Nemaline myopathy 6. Last evaluated: 2018-07-11. Review status: criteria provided, single submitter. Criteria: Invitae Variant Classification Sherloc (09022015). Collection method: clinical testing. Allele origin: germline.
Comment: In summary, the available evidence is currently insufficient to determine the role of this variant in disease. Therefore, it has been classified as a Variant of Uncertain Significance. Experimental studies and prediction algorithms are not available for this variant, and the functional significance of the deleted amino acids is currently unknown. This variant has not been reported in the literature in individuals with KBTBD13-related disease. While this variant is not present in population databases, the frequency information is unreliable, as metrics indicate poor data quality at this position in the ExAC database. This variant, c.607_615del, results in the deletion of 3 amino acids of the KBTBD13 protein (p.Gly203_Ala205del), but otherwise preserves the integrity of the reading frame.

NM_001101362.3(KBTBD13):c.607_615del (p.Gly203_Ala205del)

Gene: KBTBD13 (kelch repeat and BTB domain containing 13; plus strand). Cytogenetic location: 15q22.31.
Variant type: Deletion.
Coding change: c.607_615del on transcript NM_001101362.3 (MANE Select); coding-DNA positions 607 to 615, 9 bases deleted (GGGGTGGCC; older notation c.607_615delGGGGTGGCC).
Protein change: p.Gly203_Ala205del.
Molecular consequence: inframe deletion.
Genome position (GRCh38, 1-based): chr15:65,077,422-65,077,430, GGGGTGGCC deleted; deleting any 9 consecutive bases within chr15:65,077,417-65,077,430 gives the same sequence; the c. name uses the placement nearest the transcript's 3' end. VCF-style (leftmost placement, unchanged base first): chr15-65077416-CTGGCCGGGG-C. GRCh37 (hg19) VCF-style: chr15-65369754-CTGGCCGGGG-C.
Other names: c.607_615delGGGGTGGCC (NM_001101362.2).
Identifiers: ClinVar variation 640267 (VCV000640267.8), dbSNP rs1595912738, ClinGen allele CA915946036.